The following is an entry in ClinVar:

NM_005687.5(FARSB):c.220C>T (p.Leu74Phe)

Gene: FARSB (phenylalanyl-tRNA synthetase subunit beta; minus strand). Cytogenetic location: 2q36.1.
Variant type: single nucleotide variant.
Coding change: c.220C>T on transcript NM_005687.5 (MANE Select); coding-DNA position 220, C replaced by T.
Protein change: p.Leu74Phe; replaces leucine 74 with phenylalanine.
Molecular consequence: missense variant. On other transcripts: non-coding transcript variant (1).
Genome position (GRCh38, 1-based): chr2:222,642,900, G>A on the plus strand (C>T on the coding strand, the complement: FARSB is on the minus strand). VCF-style: chr2-222642900-G-A. GRCh37 (hg19) VCF-style: chr2-223507619-G-A.
Other names: short protein forms L74F.
Identifiers: ClinVar variation 1946357 (VCV001946357.5), dbSNP rs1232446511, ClinGen allele CA350819383.
Genomic context (GRCh38, chr2:222,642,900, plus strand): 5'-TATTTCCTTACCTTTCTTTGAAGACCTGAAGTCCTCGAACCAATCCTTCCAGACACAGGA[G>A]ATCATATCTATTGGCAGGGACGTCAATTTTGTAAAGAACAACATCAGAGGCTCCTGCTGC-3'
Protein context (NP_005678.3, residues 64-84): KIDVPANRYD[Leu74Phe]LCLEGLVRGL

ClinVar aggregate classification (germline): Uncertain significance (1 of 4 stars; one submission).

Submission:

Labcorp Genetics (formerly Invitae), Labcorp
Classification: Uncertain significance. Last evaluated: 2023-10-03. Review status: criteria provided, single submitter. Criteria: Invitae Variant Classification Sherloc (09022015). Collection method: clinical testing. Allele origin: germline.
Comment: This sequence change replaces leucine, which is neutral and non-polar, with phenylalanine, which is neutral and non-polar, at codon 74 of the FARSB protein (p.Leu74Phe). This variant is not present in population databases (gnomAD no frequency). This variant has not been reported in the literature in individuals affected with FARSB-related conditions. ClinVar contains an entry for this variant (Variation ID: 1946357). Advanced modeling of protein sequence and biophysical properties (such as structural, functional, and spatial information, amino acid conservation, physicochemical variation, residue mobility, and thermodynamic stability) has been performed at Invitae for this missense variant, however the output from this modeling did not meet the statistical confidence thresholds required to predict the impact of this variant on FARSB protein function. In summary, the available evidence is currently insufficient to determine the role of this variant in disease. Therefore, it has been classified as a Variant of Uncertain Significance.